The following is an entry in ClinVar:

ClinVar aggregate classification (germline): Uncertain significance. Review status: criteria provided, multiple submitters, no conflicts (2 of 4 stars). 4 submissions from 4 submitters: Uncertain significance (4). Last evaluated 2025-06-12.

Conditions:
Inborn genetic diseases. Identifiers: MedGen C0950123, MeSH D030342.
Autosomal recessive spinocerebellar ataxia 14. Also called: CEREBELLAR ATAXIA, AUTOSOMAL RECESSIVE, SPECTRIN-ASSOCIATED, 1. Identifiers: Orphanet 352403, MedGen C4706415, MONDO:0014159, OMIM 615386.

Allele frequency attached by ClinVar (database versions not stated): gnomAD 0.00001; TOPMed 0.00001; gnomAD exomes 0.00002; ExAC 0.00003.
gnomAD v4.1: 30 of 1,613,936 alleles (0.0019%); highest among the groups gnomAD compares: South Asian, 0.0055%; no homozygotes.

Submissions (4):

Ambry Genetics
Classification: Uncertain significance for Inborn genetic diseases. Last evaluated: 2025-06-12. Review status: criteria provided, single submitter. Criteria: Ambry Variant Classification Scheme 2023. Collection method: clinical testing. Allele origin: germline.

Women's Health and Genetics/Laboratory Corporation of America, LabCorp
Classification: Uncertain significance. Last evaluated: 2024-11-06. Review status: criteria provided, single submitter. Criteria: LabCorp Variant Classification Summary - May 2015. Collection method: clinical testing. Allele origin: germline.
Comment: Variant summary: SPTBN2 c.1154C>T (p.Thr385Met) results in a non-conservative amino acid change located in the Spectrin repeat domain (IPR018159) of the encoded protein sequence. Three of five in-silico tools predict a benign effect of the variant on protein function. The variant allele was found at a frequency of 1.6e-05 in 251308 control chromosomes. The available data on variant occurrences in the general population are insufficient to allow any conclusion about variant significance. To our knowledge, no occurrence of c.1154C>T in individuals affected with Spinocerebellar Ataxia 5 and no experimental evidence demonstrating its impact on protein function have been reported. ClinVar contains an entry for this variant (Variation ID: 2192735). Based on the evidence outlined above, the variant was classified as uncertain significance.

Labcorp Genetics (formerly Invitae), Labcorp
Classification: Uncertain significance. Last evaluated: 2024-11-02. Review status: criteria provided, single submitter. Criteria: Invitae Variant Classification Sherloc (09022015). Collection method: clinical testing. Allele origin: germline.
Comment: This sequence change replaces threonine, which is neutral and polar, with methionine, which is neutral and non-polar, at codon 385 of the SPTBN2 protein (p.Thr385Met). This variant is present in population databases (rs761216500, gnomAD 0.006%). This variant has not been reported in the literature in individuals affected with SPTBN2-related conditions. ClinVar contains an entry for this variant (Variation ID: 2192735). Invitae Evidence Modeling of protein sequence and biophysical properties (such as structural, functional, and spatial information, amino acid conservation, physicochemical variation, residue mobility, and thermodynamic stability) indicates that this missense variant is not expected to disrupt SPTBN2 protein function with a negative predictive value of 80%. In summary, the available evidence is currently insufficient to determine the role of this variant in disease. Therefore, it has been classified as a Variant of Uncertain Significance.

3billion
Classification: Uncertain significance for Autosomal recessive spinocerebellar ataxia 14. Last evaluated: 2023-02-23. Review status: criteria provided, single submitter. Criteria: ACMG Guidelines, 2015. Collection method: clinical testing. Allele origin: unknown. Affected: yes.
Comment: The variant is observed at an extremely low frequency in the gnomAD v2.1.1 dataset (total allele frequency: 0.002%). Missense changes are a common disease-causing mechanism. This variant is classified as VUS according to the recommendation of ACMG/AMP guideline.

NM_006946.4(SPTBN2):c.1154C>T (p.Thr385Met)

Gene: SPTBN2 (spectrin beta, non-erythrocytic 2; minus strand). Cytogenetic location: 11q13.2.
Variant type: single nucleotide variant.
Coding change: c.1154C>T on transcript NM_006946.4 (MANE Select); coding-DNA position 1154, C replaced by T.
Protein change: p.Thr385Met; replaces threonine 385 with methionine.
Molecular consequence: missense variant.
Genome position (GRCh38, 1-based): chr11:66,708,939, G>A on the plus strand (C>T on the coding strand, the complement: SPTBN2 is on the minus strand). VCF-style: chr11-66708939-G-A. GRCh37 (hg19) VCF-style: chr11-66476410-G-A.
Other names: c.1154C>T (NM_006946.2); c.1175C>T, p.Thr392Met (NM_001411025.1); short protein forms T385M, T392M.
Identifiers: ClinVar variation 2192735 (VCV002192735.7), dbSNP rs761216500, ClinGen allele CA6129468.